The following is an entry in ClinVar:

ClinVar aggregate classification (germline): Likely pathogenic (1 of 4 stars; one submission).

Conditions:
Charcot-Marie-Tooth disease type 4A. Also called: Charcot-Marie-Tooth disease, demyelinating, autosomal recessive, type 4a. Identifiers: Orphanet 99948, MedGen C1859198, MONDO:0008961, OMIM 214400.

gnomAD v4.1: 3 of 1,580,358 alleles (0.00019%); highest among the groups gnomAD compares: Non-Finnish European, 0.00017%; no homozygotes.

Submission:

Labcorp Genetics (formerly Invitae), Labcorp
Classification: Likely pathogenic for Charcot-Marie-Tooth disease type 4A. Last evaluated: 2022-08-10. Review status: criteria provided, single submitter. Criteria: Invitae Variant Classification Sherloc (09022015). Collection method: clinical testing. Allele origin: germline.
Comment: In summary, the currently available evidence indicates that the variant is pathogenic, but additional data are needed to prove that conclusively. Therefore, this variant has been classified as Likely Pathogenic. This variant disrupts the p.Gln218 amino acid residue in GDAP1. Other variant(s) that disrupt this residue have been determined to be pathogenic (PMID: 18231710, 23628762, 26525999). This suggests that this residue is clinically significant, and that variants that disrupt this residue are likely to be disease-causing. Advanced modeling of protein sequence and biophysical properties (such as structural, functional, and spatial information, amino acid conservation, physicochemical variation, residue mobility, and thermodynamic stability) performed at Invitae indicates that this missense variant is expected to disrupt GDAP1 protein function. ClinVar contains an entry for this variant (Variation ID: 467767). This missense change has been observed in individual(s) with clinical features of Charcot-Marie-Tooth disease (PMID: 34169998; Invitae). This variant is not present in population databases (gnomAD no frequency). This sequence change replaces glutamine, which is neutral and polar, with arginine, which is basic and polar, at codon 218 of the GDAP1 protein (p.Gln218Arg).

Literature cited by the submitters: PubMed 18231710; PubMed 23628762; PubMed 26525999; PubMed 34169998.

NM_018972.4(GDAP1):c.653A>G (p.Gln218Arg)

Gene: GDAP1 (ganglioside induced differentiation associated protein 1; plus strand). Cytogenetic location: 8q21.11.
Variant type: single nucleotide variant.
Coding change: c.653A>G on transcript NM_018972.4 (MANE Select); coding-DNA position 653, A replaced by G.
Protein change: p.Gln218Arg; replaces glutamine 218 with arginine.
Molecular consequence: missense variant.
Genome position (GRCh38, 1-based): chr8:74,363,012, A>G. VCF-style: chr8-74363012-A-G. GRCh37 (hg19) VCF-style: chr8-75275247-A-G.
Other names: c.449A>G, p.Gln150Arg (NM_001040875.4); c.326A>G, p.Gln109Arg (NM_001362929.2, NM_001362932.2); c.479A>G, p.Gln160Arg (NM_001362930.2); c.653A>G, p.Gln218Arg (NM_001362931.2); short protein forms Q218R, Q160R, Q109R, Q150R.
Identifiers: ClinVar variation 467767 (VCV000467767.8), dbSNP rs556827873, ClinGen allele CA179735330.